The following is an entry in ClinVar:

NM_000426.4(LAMA2):c.8987A>C (p.Lys2996Thr)

Gene: LAMA2 (laminin subunit alpha 2; plus strand). Cytogenetic location: 6q22.33.
Variant type: single nucleotide variant.
Coding change: c.8987A>C on transcript NM_000426.4 (MANE Select); coding-DNA position 8987, A replaced by C.
Protein change: p.Lys2996Thr; replaces lysine 2996 with threonine.
Molecular consequence: missense variant.
Genome position (GRCh38, 1-based): chr6:129,512,492, A>C. VCF-style: chr6-129512492-A-C. GRCh37 (hg19) VCF-style: chr6-129833637-A-C.
Other names: c.8975A>C, p.Lys2992Thr (NM_001079823.2); short protein forms K2992T, K2996T.
Identifiers: ClinVar variation 4988047 (VCV004988047.1).

ClinVar aggregate classification (germline): Uncertain significance (1 of 4 stars; one submission).

Conditions:
LAMA2-related disorder. Also called: LAMA2-related disorders; LAMA2-related condition.

gnomAD v4.1: 47 of 1,613,508 alleles (0.0029%); highest among the groups gnomAD compares: Non-Finnish European, 0.0039%; no homozygotes.

Submission:

PreventionGenetics, part of Exact Sciences
Classification: Uncertain significance for LAMA2-related condition. Last evaluated: 2025-03-19. Review status: criteria provided, single submitter. Criteria: ACMG Guidelines, 2015. Collection method: clinical testing. Allele origin: germline.
Comment: The LAMA2 c.8987A>C variant is predicted to result in the amino acid substitution p.Lys2996Thr. To our knowledge, this variant has not been reported in the literature. This variant is reported in 0.0018% of alleles in individuals of European (Non-Finnish) descent in gnomAD. At this time, the clinical significance of this variant is uncertain due to the absence of conclusive functional and genetic evidence.